The following is an entry in ClinVar:

NM_000722.4(CACNA2D1):c.1362+282A>G

Genes: CACNA2D1 (calcium voltage-gated channel auxiliary subunit alpha2delta 1; minus strand), CACNA2D1-AS1 (CACNA2D1 antisense RNA 1; plus strand). Cytogenetic location: 7q21.11.
Variant type: single nucleotide variant.
Coding change: c.1362+282A>G on transcript NM_000722.4 (MANE Select); 282 bases into the intron after coding-DNA position 1362, A replaced by G.
Molecular consequence: intron variant.
Genome position (GRCh38, 1-based): chr7:82,011,872, T>C on the plus strand (A>G on the coding strand, the complement: CACNA2D1 is on the minus strand). VCF-style: chr7-82011872-T-C. GRCh37 (hg19) VCF-style: chr7-81641188-T-C.
Other names: NC_000007.13:g.81641188T>C; c.1362+282A>G (NM_001366867.1).
Identifiers: ClinVar variation 668817 (VCV000668817.2), dbSNP rs59684283, ClinGen allele CA161129743.

ClinVar aggregate classification (germline): Benign (1 of 4 stars; one submission).

Allele frequency attached by ClinVar (database versions not stated): gnomAD 0.25282 and 0.25637; TOPMed 0.26651; 1000 Genomes Project 30x 0.29716; 1000 Genomes Project 0.30092.

Submissions (7):

GeneDx
Classification: Benign. Last evaluated: 2018-06-19. Review status: criteria provided, single submitter. Criteria: GeneDx Variant Classification (06012015). Collection method: clinical testing. Allele origin: germline. Affected: yes.
Comment: This variant is considered likely benign or benign based on one or more of the following criteria: it is a conservative change, it occurs at a poorly conserved position in the protein, it is predicted to be benign by multiple in silico algorithms, and/or has population frequency not consistent with disease.

Dr. Peter K. Rogan Lab, Western University
No classification provided (evidence only). Condition: Lung cancer. Review status: no classification provided. Collection method: in vitro. Allele origin: not applicable. Functional consequence: retained intron. Not counted in ClinVar's aggregate classification.

Dr. Peter K. Rogan Lab, Western University
No classification provided (evidence only). Condition: Uterine corpus endometrial carcinoma. Review status: no classification provided. Collection method: in vitro. Allele origin: not applicable. Functional consequence: retained intron. Not counted in ClinVar's aggregate classification.

Dr. Peter K. Rogan Lab, Western University
No classification provided (evidence only). Condition: Sarcoma. Review status: no classification provided. Collection method: in vitro. Allele origin: not applicable. Functional consequence: retained intron. Not counted in ClinVar's aggregate classification.

Dr. Peter K. Rogan Lab, Western University
No classification provided (evidence only). Condition: Thymoma. Review status: no classification provided. Collection method: in vitro. Allele origin: not applicable. Functional consequence: retained intron. Not counted in ClinVar's aggregate classification.

Dr. Peter K. Rogan Lab, Western University
No classification provided (evidence only). Condition: Cholangiocarcinoma. Review status: no classification provided. Collection method: in vitro. Allele origin: not applicable. Functional consequence: retained intron. Not counted in ClinVar's aggregate classification.

Dr. Peter K. Rogan Lab, Western University
No classification provided (evidence only). Condition: Gastric cancer. Review status: no classification provided. Collection method: in vitro. Allele origin: not applicable. Functional consequence: retained intron. Not counted in ClinVar's aggregate classification.